The following is an entry in ClinVar:

ClinVar aggregate classification (germline): Benign (1 of 4 stars; one submission).

Allele frequency attached by ClinVar (database versions not stated): 1000 Genomes Project 0.03894; 1000 Genomes Project 30x 0.03951; gnomAD 0.05241; TOPMed 0.05665.
gnomAD v4.1: 7,978 of 152,308 alleles (5.2%); highest among the groups gnomAD compares: Admixed American, 14%; 336 homozygotes.

Submission:

Unidad de Genómica Garrahan, Hospital de Pediatría Garrahan
Classification: Benign. Last evaluated: 2023-11-12. Review status: criteria provided, single submitter. Criteria: ACMG Guidelines, 2015. Collection method: clinical testing. Allele origin: germline. Affected: no. Observed: 20 variant alleles.
Comment: This variant is classified as Benign based on local population frequency. This variant was detected in 21% of patients studied by a panel of primary immunodeficiencies. Number of patients: 20. Only high quality variants are reported.

NM_002227.4(JAK1):c.2843-198T>G

Gene: JAK1 (Janus kinase 1; minus strand). Cytogenetic location: 1p31.3.
Variant type: single nucleotide variant.
Coding change: c.2843-198T>G on transcript NM_002227.4 (MANE Select); 198 bases into the intron before coding-DNA position 2843, T replaced by G.
Molecular consequence: intron variant.
Genome position (GRCh38, 1-based): chr1:64,838,787, A>C on the plus strand (T>G on the coding strand, the complement: JAK1 is on the minus strand). VCF-style: chr1-64838787-A-C. GRCh37 (hg19) VCF-style: chr1-65304470-A-C.
Other names: c.2843-198T>G (NM_001321852.2, NM_001321854.2, NM_001321853.2 and 3 more transcripts); c.2840-198T>G (NM_001321857.2).
Identifiers: ClinVar variation 2628299 (VCV002628299.2), dbSNP rs11579616, ClinGen allele CA23899360.